The following is an entry in ClinVar:

NM_001371623.1(TCOF1):c.4448A>C (p.Lys1483Thr)

Genes: TCOF1 (treacle ribosome biogenesis factor 1; plus strand), LOC129994989 (ATAC-STARR-seq lymphoblastoid active region 23402; plus strand). Cytogenetic location: 5q32.
Variant type: single nucleotide variant.
Coding change: c.4448A>C on transcript NM_001371623.1 (MANE Select); coding-DNA position 4448, A replaced by C.
Protein change: p.Lys1483Thr; replaces lysine 1483 with threonine.
Molecular consequence: missense variant.
Genome position (GRCh38, 1-based): chr5:150,399,026, A>C. VCF-style: chr5-150399026-A-C. GRCh37 (hg19) VCF-style: chr5-149778589-A-C.
Other names: c.4214A>C, p.Lys1405Thr (NM_000356.4); c.4445A>C, p.Lys1482Thr (NM_001135243.2); c.4334A>C, p.Lys1445Thr (NM_001135244.2); c.4217A>C, p.Lys1406Thr (NM_001135245.2); c.4331A>C, p.Lys1444Thr (NM_001195141.2); short protein forms K1406T, K1482T, K1445T, K1483T, K1405T, K1444T.
Identifiers: ClinVar variation 2106199 (VCV002106199.4), dbSNP rs1256634783, ClinGen allele CA361746123.

ClinVar aggregate classification (germline): Uncertain significance (1 of 4 stars; one submission).

Conditions:
Treacher Collins syndrome 1 (TCS1). Also called: TCOF1-Related Treacher Collins Syndrome. Identifiers: Orphanet 861, MedGen CN315775, MONDO:0007944, OMIM 154500.

gnomAD v4.1: 2 of 1,614,244 alleles (0.00012%); highest among the groups gnomAD compares: Non-Finnish European, 0.00017%; no homozygotes.

Submission:

Labcorp Genetics (formerly Invitae), Labcorp
Classification: Uncertain significance for Treacher Collins syndrome 1. Last evaluated: 2022-10-13. Review status: criteria provided, single submitter. Criteria: Invitae Variant Classification Sherloc (09022015). Collection method: clinical testing. Allele origin: germline.
Comment: This sequence change replaces lysine, which is basic and polar, with threonine, which is neutral and polar, at codon 1482 of the TCOF1 protein (p.Lys1482Thr). This variant is present in population databases (no rsID available, gnomAD 0.0009%). This variant has not been reported in the literature in individuals affected with TCOF1-related conditions. Algorithms developed to predict the effect of missense changes on protein structure and function are either unavailable or do not agree on the potential impact of this missense change (SIFT: "Deleterious"; PolyPhen-2: "Not Available"; Align-GVGD: "Class C0"). In summary, the available evidence is currently insufficient to determine the role of this variant in disease. Therefore, it has been classified as a Variant of Uncertain Significance.